The following is an entry in ClinVar:

ClinVar aggregate classification (germline): Likely benign. Review status: criteria provided, multiple submitters, no conflicts (2 of 4 stars). 2 submissions from 2 submitters: Likely benign (2). Last evaluated 2024-02-17.

Conditions:
Developmental and epileptic encephalopathy, 9 (DEE9). Also called: Early infantile epileptic encephalopathy 9; EPILEPSY, FEMALE-RESTRICTED, WITH MENTAL RETARDATION; PCDH19-Related X-Linked Female-Limited Epilepsy with Mental Retardation; JUBERG-HELLMAN SYNDROME. Identifiers: Orphanet 101039, Orphanet 2076, MedGen C1848137, MONDO:0010246, OMIM 300088. Disease mechanism: loss of function.

Allele frequency attached by ClinVar (database versions not stated): gnomAD exomes below 0.00001.
gnomAD v4.1: 1 of 1,204,191 alleles (0.000083%); highest among the groups gnomAD compares: Non-Finnish European, 0.00011%; no homozygotes.

Submissions (2):

Labcorp Genetics (formerly Invitae), Labcorp
Classification: Likely benign for Developmental and epileptic encephalopathy, 9. Last evaluated: 2024-02-17. Review status: criteria provided, single submitter. Criteria: Invitae Variant Classification Sherloc (09022015). Collection method: clinical testing. Allele origin: germline.

GeneDx
Classification: Likely benign. Last evaluated: 2017-01-17. Review status: criteria provided, single submitter. Criteria: GeneDx Variant Classification (06012015). Collection method: clinical testing. Allele origin: germline. Affected: yes.
Comment: This variant is considered likely benign or benign based on one or more of the following criteria: it is a conservative change, it occurs at a poorly conserved position in the protein, it is predicted to be benign by multiple in silico algorithms, and/or has population frequency not consistent with disease.

NM_001184880.2(PCDH19):c.2301C>T (p.Tyr767=)

Genes: PCDH19 (protocadherin 19; minus strand), LOC125467768 (CDK7 strongly-dependent group 2 enhancer GRCh37_chrX:99657381-99658580; plus strand). Cytogenetic location: Xq22.1.
Variant type: single nucleotide variant.
Coding change: c.2301C>T on transcript NM_001184880.2 (MANE Select); coding-DNA position 2301, C replaced by T.
Protein change: p.Tyr767=; no amino-acid change (tyrosine 767 retained).
Molecular consequence: synonymous variant.
Genome position (GRCh38, 1-based): chrX:100,402,839, G>A on the plus strand (C>T on the coding strand, the complement: PCDH19 is on the minus strand). VCF-style: chrX-100402839-G-A. GRCh37 (hg19) VCF-style: chrX-99657837-G-A.
Other names: c.2160C>T, p.Tyr720= (NM_001105243.2, NM_020766.3).
Identifiers: ClinVar variation 392739 (VCV000392739.10), dbSNP rs1057524610, ClinGen allele CA16609107.